The following is an entry in ClinVar:

ClinVar aggregate classification (germline): Uncertain significance (1 of 4 stars; one submission).

Conditions:
Hereditary sensory and autonomic neuropathy type 7. Also called: HSAN VII; Neuropathy, hereditary sensory and autonomic, type VII. Identifiers: Orphanet 391397, MedGen C3809882, MONDO:0014244, OMIM 615548.
Familial episodic pain syndrome with predominantly lower limb involvement. Also called: Episodic pain syndrome, familial, 3. Identifiers: Orphanet 391384, Orphanet 391392, MedGen C3809899, MONDO:0014247, OMIM 615552.

Submission:

Labcorp Genetics (formerly Invitae), Labcorp
Classification: Uncertain significance for Familial episodic pain syndrome with predominantly lower limb involvement; Hereditary sensory and autonomic neuropathy type 7. Last evaluated: 2021-08-04. Review status: criteria provided, single submitter. Criteria: Invitae Variant Classification Sherloc (09022015). Collection method: clinical testing. Allele origin: germline.
Comment: In summary, the available evidence is currently insufficient to determine the role of this variant in disease. Therefore, it has been classified as a Variant of Uncertain Significance. This sequence change replaces alanine with valine at codon 268 of the SCN11A protein (p.Ala268Val). The alanine residue is highly conserved and there is a small physicochemical difference between alanine and valine. This variant is not present in population databases (ExAC no frequency). This variant has not been reported in the literature in individuals affected with SCN11A-related conditions. Algorithms developed to predict the effect of missense changes on protein structure and function (SIFT, PolyPhen-2, Align-GVGD) all suggest that this variant is likely to be disruptive.

NM_001349253.2(SCN11A):c.803C>T (p.Ala268Val)

Gene: SCN11A (sodium voltage-gated channel alpha subunit 11; minus strand). Cytogenetic location: 3p22.2.
Variant type: single nucleotide variant.
Coding change: c.803C>T on transcript NM_001349253.2 (MANE Select); coding-DNA position 803, C replaced by T.
Protein change: p.Ala268Val; replaces alanine 268 with valine.
Molecular consequence: missense variant.
Genome position (GRCh38, 1-based): chr3:38,921,165, G>A on the plus strand (C>T on the coding strand, the complement: SCN11A is on the minus strand). VCF-style: chr3-38921165-G-A. GRCh37 (hg19) VCF-style: chr3-38962656-G-A.
Other names: c.803C>T, p.Ala268Val (NM_014139.3); short protein forms A268V.
Identifiers: ClinVar variation 1500734 (VCV001500734.6), dbSNP rs2125548572, ClinGen allele CA352172269.